The following is an entry in ClinVar:

NM_176822.4(NLRP14):c.2976-24A>G

Gene: NLRP14 (NLR family pyrin domain containing 14; plus strand). Cytogenetic location: 11p15.4.
Variant type: single nucleotide variant.
Coding change: c.2976-24A>G on transcript NM_176822.4 (MANE Select); 24 bases into the intron before coding-DNA position 2976, A replaced by G.
Molecular consequence: intron variant.
Genome position (GRCh38, 1-based): chr11:7,070,262, A>G. VCF-style: chr11-7070262-A-G. GRCh37 (hg19) VCF-style: chr11-7091493-A-G.
Identifiers: ClinVar variation 103349 (VCV000103349.2), dbSNP rs199475888, ClinGen allele CA230454.

ClinVar aggregate classification (germline): not provided (0 of 4 stars; one submission).

Allele frequency attached by ClinVar (database versions not stated): gnomAD 0.00001.

Submission:

Human Evolutionary Genetics, Institut Pasteur
No classification provided. Review status: no classification provided. Collection method: not provided. Allele origin: germline.
ClinVar note: Converted during submission from untested to not provided.